The following is an entry in ClinVar:

ClinVar aggregate classification (germline): Pathogenic (1 of 4 stars; one submission).

Allele frequency attached by ClinVar (database versions not stated): TOPMed below 0.00001.

Submission:

Labcorp Genetics (formerly Invitae), Labcorp
Classification: Pathogenic. Last evaluated: 2022-05-14. Review status: criteria provided, single submitter. Criteria: Invitae Variant Classification Sherloc (09022015). Collection method: clinical testing. Allele origin: germline.
Comment: This sequence change creates a premature translational stop signal (p.Cys102Valfs*52) in the TUBGCP6 gene. It is expected to result in an absent or disrupted protein product. Loss-of-function variants in TUBGCP6 are known to be pathogenic (PMID: 25344692). This variant is not present in population databases (gnomAD no frequency). This variant has not been reported in the literature in individuals affected with TUBGCP6-related conditions. For these reasons, this variant has been classified as Pathogenic.

Literature cited by the submitters: PubMed 25344692.

NM_020461.4(TUBGCP6):c.304del (p.Cys102fs)

Gene: TUBGCP6 (tubulin gamma complex component 6; minus strand). Cytogenetic location: 22q13.33.
Variant type: Deletion.
Coding change: c.304del on transcript NM_020461.4 (MANE Select); coding-DNA position 304, one base deleted (T; older notation c.304delT).
Protein change: p.Cys102fs; shifts the reading frame from cysteine 102.
Molecular consequence: frameshift variant.
Genome position (GRCh38, 1-based): chr22:50,244,156, A deleted on the plus strand (T on the coding strand, the reverse complement: TUBGCP6 is on the minus strand). VCF-style (leftmost placement, unchanged base first): chr22-50244155-CA-C. GRCh37 (hg19) VCF-style: chr22-50682584-CA-C.
Other names: short protein forms C102fs.
Identifiers: ClinVar variation 1994379 (VCV001994379.4), dbSNP rs2064886794, ClinGen allele CA2410743993.